The following is an entry in ClinVar:

ClinVar aggregate classification (germline): Uncertain significance. Review status: criteria provided, multiple submitters, no conflicts (2 of 4 stars). 2 submissions from 2 submitters: Uncertain significance (2). Last evaluated 2025-07-02.

Conditions:
Long QT syndrome (LQTS). Identifiers: MedGen C0023976, MeSH D008133, MONDO:0002442. Disease mechanism: loss of function. Inheritance: Various modes of inheritance.

Submissions (2):

Labcorp Genetics (formerly Invitae), Labcorp
Classification: Uncertain significance for Long QT syndrome. Last evaluated: 2025-07-02. Review status: criteria provided, single submitter. Criteria: Invitae Variant Classification Sherloc (09022015). Collection method: clinical testing. Allele origin: germline.
Comment: This sequence change replaces alanine, which is neutral and non-polar, with serine, which is neutral and polar, at codon 949 of the CACNA1C protein (p.Ala949Ser). This variant is not present in population databases (gnomAD no frequency). This variant has not been reported in the literature in individuals affected with CACNA1C-related conditions. ClinVar contains an entry for this variant (Variation ID: 2909577). Invitae Evidence Modeling of protein sequence and biophysical properties (such as structural, functional, and spatial information, amino acid conservation, physicochemical variation, residue mobility, and thermodynamic stability) indicates that this missense variant is not expected to disrupt CACNA1C protein function with a negative predictive value of 95%. In summary, the available evidence is currently insufficient to determine the role of this variant in disease. Therefore, it has been classified as a Variant of Uncertain Significance.

ARUP Laboratories, Molecular Genetics and Genomics, ARUP Laboratories
Classification: Uncertain significance. Last evaluated: 2024-12-05. Review status: criteria provided, single submitter. Criteria: ARUP Molecular Germline Variant Investigation Process 2024. Collection method: clinical testing. Allele origin: germline.
Comment: The CACNA1C c.2845G>T; p.Ala949Ser variant, to our knowledge, is not reported in the medical literature but is reported in ClinVar (Variation ID: 2909577). This variant is absent from the Genome Aggregation Database (v2.1.1), indicating it is not a common polymorphism. Computational analyses are uncertain whether this variant is neutral or deleterious (REVEL: 0.423). Due to limited information, the clinical significance of this variant is uncertain at this time.

NM_000719.7(CACNA1C):c.2845G>T (p.Ala949Ser)

Gene: CACNA1C (calcium voltage-gated channel subunit alpha1 C; plus strand). Cytogenetic location: 12p13.33.
Variant type: single nucleotide variant.
Coding change: c.2845G>T on transcript NM_000719.7 (MANE Select); coding-DNA position 2845, G replaced by T.
Protein change: p.Ala949Ser; replaces alanine 949 with serine.
Molecular consequence: missense variant. On other transcripts: intron variant (8).
Genome position (GRCh38, 1-based): chr12:2,597,281, G>T. VCF-style: chr12-2597281-G-T. GRCh37 (hg19) VCF-style: chr12-2706447-G-T.
Other names: c.2845G>T, p.Ala949Ser (NM_001167623.2, NM_001167624.3, NM_001167625.2 and 10 more transcripts); c.2794-156G>T (NM_001129840.2, NM_001129836.2, NM_001129841.2 and 5 more transcripts); c.2836G>T, p.Ala946Ser (NM_001129844.2); short protein forms A946S, A949S.
Identifiers: ClinVar variation 2909577 (VCV002909577.4), dbSNP rs2516986161, ClinGen allele CA383372782.